The following is an entry in ClinVar:

NM_001267550.2(TTN):c.41941dup (p.Ser13981fs)

Gene: TTN (titin; minus strand). Cytogenetic location: 2q31.2.
Variant type: Duplication.
Coding change: c.41941dup on transcript NM_001267550.2 (MANE Select); coding-DNA position 41941, one base duplicated (A; older notation c.41941dupA).
Protein change: p.Ser13981fs; shifts the reading frame from serine 13981.
Molecular consequence: frameshift variant.
Genome position (GRCh38, 1-based): chr2:178,635,248, T duplicated on the plus strand (A on the coding strand, the reverse complement: TTN is on the minus strand); the first of 3 consecutive T bases (chr2:178,635,248-178,635,250); duplicating any one gives the same sequence. VCF-style (leftmost placement, unchanged base first): chr2-178635247-C-CT. GRCh37 (hg19) VCF-style: chr2-179499974-C-CT.
Other names: c.37018dup, p.Ser12340fs (NM_001256850.1); c.14746dup, p.Ser4916fs (NM_003319.4); c.34237dup, p.Ser11413fs (NM_133378.4); c.15121dup, p.Ser5041fs (NM_133432.3); c.15322dup, p.Ser5108fs (NM_133437.4); short protein forms S11413fs, S13981fs, S5108fs, S12340fs, S4916fs, S5041fs.
Identifiers: ClinVar variation 2921407 (VCV002921407.3), dbSNP rs753895110, ClinGen allele CA2740096358.

ClinVar aggregate classification (germline): Likely pathogenic (1 of 4 stars; one submission).

Conditions:
Dilated cardiomyopathy 1G (CMD1G). Identifiers: Orphanet 154, MedGen C1858763, MONDO:0011400, OMIM 604145.
Autosomal recessive limb-girdle muscular dystrophy type 2J (LGMDR10). Also called: Limb-girdle muscular dystrophy, type 2J; MUSCULAR DYSTROPHY, LIMB-GIRDLE, AUTOSOMAL RECESSIVE 10. Identifiers: Orphanet 140922, MedGen C1837342, MONDO:0012127, OMIM 608807.

Submission:

Labcorp Genetics (formerly Invitae), Labcorp
Classification: Likely pathogenic for Dilated cardiomyopathy 1G; Autosomal recessive limb-girdle muscular dystrophy type 2J. Last evaluated: 2023-12-14. Review status: criteria provided, single submitter. Criteria: Invitae Variant Classification Sherloc (09022015). Collection method: clinical testing. Allele origin: germline.
Comment: This sequence change creates a premature translational stop signal (p.Ser13981Lysfs*5) in the TTN gene. While this is not anticipated to result in nonsense mediated decay, it is expected to create a truncated TTN protein. This variant is not present in population databases (gnomAD no frequency). This variant has not been reported in the literature in individuals affected with TTN-related conditions. Algorithms developed to predict the effect of sequence changes on RNA splicing suggest that this variant may disrupt the consensus splice site. This variant is located in the I band of TTN (PMID: 25589632). Truncating variants in this region have been reported in individuals affected with autosomal recessive centronuclear myopathy (PMID: 23975875). Truncating variants in this region have also been identified in individuals affected with autosomal dominant dilated cardiomyopathy and/or cardio-related conditions (PMID: 27869827, 32964742). In summary, the currently available evidence indicates that the variant is pathogenic, but additional data are needed to prove that conclusively. Therefore, this variant has been classified as Likely Pathogenic.

Literature cited by the submitters: PubMed 25589632; PubMed 23975875; PubMed 27869827; PubMed 32964742.